The following is an entry in ClinVar:

NM_003072.5(SMARCA4):c.3940G>A (p.Asp1314Asn)

Gene: SMARCA4 (SWI/SNF related BAF chromatin remodeling complex subunit ATPase 4; plus strand). Cytogenetic location: 19p13.2.
Variant type: single nucleotide variant.
Coding change: c.3940G>A on transcript NM_003072.5 (MANE Select); coding-DNA position 3940, G replaced by A.
Protein change: p.Asp1314Asn; replaces aspartic acid 1314 with asparagine.
Molecular consequence: missense variant. On other transcripts: non-coding transcript variant (1).
Genome position (GRCh38, 1-based): chr19:11,034,189, G>A. VCF-style: chr19-11034189-G-A. GRCh37 (hg19) VCF-style: chr19-11144865-G-A.
Other names: c.3940G>A, p.Asp1314Asn (NM_001128844.3, NM_001128849.3, NM_001387283.1); c.3841G>A, p.Asp1281Asn (NM_001128845.2, NM_001128846.2, NM_001128847.4 and 3 more transcripts); short protein forms D1281N, D1314N.
Identifiers: ClinVar variation 3233117 (VCV003233117.1), dbSNP rs2146679515, ClinGen allele CA404067937.

ClinVar aggregate classification (germline): Uncertain significance (1 of 4 stars; one submission).

Conditions:
Hereditary cancer-predisposing syndrome. Also called: Neoplastic Syndromes, Hereditary; Tumor predisposition; Hereditary neoplastic syndrome; Hereditary Cancer Syndrome. Identifiers: Orphanet 140162, MedGen C0027672, MeSH D009386, MONDO:0015356.

Allele frequency attached by ClinVar (database versions not stated): gnomAD exomes below 0.00001.
gnomAD v4.1: 1 of 1,613,686 alleles (0.000062%); no homozygotes.

Submission:

Ambry Genetics
Classification: Uncertain significance for Hereditary cancer-predisposing syndrome. Last evaluated: 2024-02-07. Review status: criteria provided, single submitter. Criteria: Ambry Variant Classification Scheme 2023. Collection method: clinical testing. Allele origin: germline.
Comment: The p.D1314N variant (also known as c.3940G>A), located in coding exon 27 of the SMARCA4 gene, results from a G to A substitution at nucleotide position 3940. The aspartic acid at codon 1314 is replaced by asparagine, an amino acid with highly similar properties. This amino acid position is well conserved in available vertebrate species. In addition, this alteration is predicted to be tolerated by in silico analysis. Based on the available evidence, the clinical significance of this alteration remains unclear.